The following is an entry in ClinVar:

NM_001242896.3(DEPDC5):c.2906A>C (p.Tyr969Ser)

Gene: DEPDC5 (DEP domain containing 5, GATOR1 subcomplex subunit; plus strand). Cytogenetic location: 22q12.3.
Variant type: single nucleotide variant.
Coding change: c.2906A>C on transcript NM_001242896.3 (MANE Select); coding-DNA position 2906, A replaced by C.
Protein change: p.Tyr969Ser; replaces tyrosine 969 with serine.
Molecular consequence: missense variant. On other transcripts: non-coding transcript variant (5).
Genome position (GRCh38, 1-based): chr22:31,845,122, A>C. VCF-style: chr22-31845122-A-C. GRCh37 (hg19) VCF-style: chr22-32241108-A-C.
Other names: c.2879A>C, p.Tyr960Ser (NM_001136029.4, NM_001369903.1, NM_014662.6); c.2672A>C, p.Tyr891Ser (NM_001242897.2, NM_001363854.2, NM_001364319.2); c.2906A>C, p.Tyr969Ser (NM_001363852.2, NM_001364318.2, NM_001364320.2); c.2822A>C, p.Tyr941Ser (NM_001369901.1, NM_001369902.1); short protein forms Y891S, Y941S, Y960S, Y969S.
Identifiers: ClinVar variation 4975686 (VCV004975686.1).

ClinVar aggregate classification (germline): Uncertain significance (1 of 4 stars; one submission).

Submission:

GeneDx
Classification: Uncertain significance. Last evaluated: 2026-01-26. Review status: criteria provided, single submitter. Criteria: GeneDx Variant Classification Process June 2021. Collection method: clinical testing. Allele origin: germline.
Comment: Not observed at significant frequency in large population cohorts (gnomAD); In silico analysis supports that this missense variant has a deleterious effect on protein structure/function; Has not been previously published as pathogenic or benign to our knowledge